The following is an entry in ClinVar:

ClinVar aggregate classification (germline): Uncertain significance (1 of 4 stars; one submission).

Conditions:
Hereditary cancer-predisposing syndrome. Also called: Neoplastic Syndromes, Hereditary; Tumor predisposition; Hereditary Cancer Syndrome; Hereditary neoplastic syndrome. Identifiers: Orphanet 140162, MedGen C0027672, MeSH D009386, MONDO:0015356.

Submission:

Ambry Genetics
Classification: Uncertain significance for Hereditary cancer-predisposing syndrome. Last evaluated: 2026-04-28. Review status: criteria provided, single submitter. Criteria: Ambry Variant Classification Scheme 2023. Collection method: clinical testing. Allele origin: germline.
Comment: The p.L1335R variant (also known as c.4004T>G), located in coding exon 9 of the BRCA1 gene, results from a T to G substitution at nucleotide position 4004. The leucine at codon 1335 is replaced by arginine, an amino acid with dissimilar properties. This amino acid position is conserved. In addition, the in silico prediction for this alteration is inconclusive. Based on the available evidence, the clinical significance of this variant remains unclear.

NM_007294.4(BRCA1):c.4004T>G (p.Leu1335Arg)

Genes: BRCA1 (BRCA1 DNA repair associated; minus strand), LOC126862571 (BRD4-independent group 4 enhancer GRCh37_chr17:41243136-41244335; plus strand). Cytogenetic location: 17q21.31.
Variant type: single nucleotide variant.
Coding change: c.4004T>G on transcript NM_007294.4 (MANE Select); coding-DNA position 4004, T replaced by G.
Protein change: p.Leu1335Arg; replaces leucine 1335 with arginine.
Molecular consequence: missense variant. On other transcripts: intron variant (135).
Genome position (GRCh38, 1-based): chr17:43,091,527, A>C on the plus strand (T>G on the coding strand, the complement: BRCA1 is on the minus strand). VCF-style: chr17-43091527-A-C. GRCh37 (hg19) VCF-style: chr17-41243544-A-C.
Other names: c.4004T>G, p.Leu1335Arg (NM_001407854.1, NM_001407858.1, NM_001407859.1 and 30 more transcripts); c.4001T>G, p.Leu1334Arg (NM_001407860.1, NM_001407861.1, NM_001407644.1 and 22 more transcripts); c.3803T>G, p.Leu1268Arg (NM_001407862.1); c.3881T>G, p.Leu1294Arg (NM_001407863.1, NM_001407648.1, NM_001407939.1 and 19 more transcripts); c.3800T>G, p.Leu1267Arg (NM_001407874.1, NM_001407875.1); c.3794T>G, p.Leu1265Arg (NM_001407879.1, NM_001407881.1, NM_001407882.1 and 13 more transcripts); c.3791T>G, p.Leu1264Arg (NM_001407894.1, NM_001407571.1, NM_001407853.1 and 9 more transcripts); c.3995T>G, p.Leu1332Arg (NM_001407646.1, NM_001407647.1); and 41 more; short protein forms L1039R, L1167R, L1207R, L1208R, L1223R, L1224R, L1246R, L1247R.
Identifiers: ClinVar variation 4867725 (VCV004867725.1).